The following is an entry in ClinVar:

ClinVar aggregate classification (germline): Pathogenic. Review status: criteria provided, multiple submitters, no conflicts (2 of 4 stars). 6 submissions from 6 submitters: Pathogenic (6). Last evaluated 2025-01-08.

Conditions:
Neurofibromatosis, type 1 (NF1). Also called: VON RECKLINGHAUSEN DISEASE; NEUROFIBROMATOSIS, TYPE I, SOMATIC; Peripheral type neurofibromatosis; Neurofibromatosis, type I. Identifiers: Orphanet 636, MedGen C0027831, MONDO:0018975, OMIM 162200. Disease mechanism: loss of function.

Submissions (6):

Athena Diagnostics
Classification: Pathogenic. Last evaluated: 2025-01-08. Review status: criteria provided, single submitter. Criteria: Athena Diagnostics Criteria. Collection method: clinical testing. Allele origin: unknown.
Comment: This variant is expected to result in the loss of a functional protein. This variant has not been reported in large, multi-ethnic general populations. This variant has been identified in at least one individual with clinical features associated with this gene.

Genome-Nilou Lab
Classification: Pathogenic for Neurofibromatosis, type 1. Last evaluated: 2022-03-15. Review status: criteria provided, single submitter. Criteria: ACMG Guidelines, 2015. Collection method: clinical testing. Allele origin: germline. Affected: no.

GeneDx
Classification: Pathogenic. Last evaluated: 2021-02-03. Review status: criteria provided, single submitter. Criteria: GeneDx Variant Classification Process June 2021. Collection method: clinical testing. Allele origin: germline. Affected: yes.
Comment: Nonsense variant predicted to result in protein truncation or nonsense mediated decay in a gene for which loss-of-function is a known mechanism of disease; Not observed in large population cohorts (Lek et al., 2016); Has not been previously published as pathogenic or benign germline variant to our knowledge; This variant is associated with the following publications: (PMID: 29617658, 23656349)

Labcorp Genetics (formerly Invitae), Labcorp
Classification: Pathogenic for Neurofibromatosis, type 1. Last evaluated: 2021-01-20. Review status: criteria provided, single submitter. Criteria: Invitae Variant Classification Sherloc (09022015). Collection method: clinical testing. Allele origin: germline.
Comment: For these reasons, this variant has been classified as Pathogenic. Loss-of-function variants in NF1 are known to be pathogenic (PMID: 10712197, 23913538). This variant has been reported in individuals in the Leiden Open-source Variation Database (PMID: 21520333). This variant is not present in population databases (ExAC no frequency). This sequence change creates a premature translational stop signal (p.Leu585*) in the NF1 gene. It is expected to result in an absent or disrupted protein product.

Genome Diagnostics Laboratory, The Hospital for Sick Children
Classification: Pathogenic for Neurofibromatosis, type 1. Last evaluated: 2020-10-26. Review status: criteria provided, single submitter. Criteria: ACMG Guidelines, 2015. Collection method: clinical testing. Allele origin: germline. Affected: yes.

Institute of Human Genetics, University of Leipzig Medical Center
Classification: Pathogenic for Neurofibromatosis, type 1. Last evaluated: 2018-06-28. Review status: criteria provided, single submitter. Criteria: ACMG Guidelines, 2015. Collection method: clinical testing. Allele origin: germline. Affected: yes. Observed: 1 variant allele.

Literature cited by the submitters: PubMed 10712197 (cited by Labcorp Genetics (formerly Invitae), Labcorp); PubMed 23913538 (cited by Labcorp Genetics (formerly Invitae), Labcorp); PubMed 21520333 (cited by Labcorp Genetics (formerly Invitae), Labcorp).

NM_001042492.3(NF1):c.1754T>G (p.Leu585Ter)

Gene: NF1 (neurofibromin 1; plus strand). Cytogenetic location: 17q11.2.
Variant type: single nucleotide variant.
Coding change: c.1754T>G on transcript NM_001042492.3 (MANE Select); coding-DNA position 1754, T replaced by G.
Protein change: p.Leu585Ter; replaces leucine 585 with a stop codon.
Molecular consequence: nonsense.
Genome position (GRCh38, 1-based): chr17:31,223,476, T>G. VCF-style: chr17-31223476-T-G. GRCh37 (hg19) VCF-style: chr17-29550494-T-G.
Other names: c.1754T>G, p.Leu585Ter (NM_000267.4); short protein forms L585*.
Identifiers: ClinVar variation 561952 (VCV000561952.14), dbSNP rs775670722, ClinGen allele CA399004144.